The following is an entry in ClinVar:

ClinVar aggregate classification (germline): Likely pathogenic (1 of 4 stars; one submission).

Conditions:
Neurodevelopmental phenotype.

Submission:

Institute of Human Genetics, University of Goettingen
Classification: Likely pathogenic for Neurodevelopmental phenotype. Last evaluated: 2024-10-28. Review status: criteria provided, single submitter. Criteria: ACMG Guidelines, 2015. Collection method: clinical testing. Allele origin: de novo. Inheritance: Sporadic. Affected: yes. Observed: 1 heterozygote.
Comment: The variant c.801_802dup (p.(Gly268Glufs*115)) in exon 2 of the FEZF2 gene is not found in the gnomAD database and changes the protein sequence at position Gly268, the new reading frame ends in a STOP codon at position 115 and thus interrupts the reading frame prematurely. Truncating variants in FEZF2 were described to be a mechanism of disease (PMID: 38425142; gnomAD 4.1.0 pLI-score = 1). ACMG criteria used for classification: PVS1_STR, PS2, PM2_SUP.

Literature cited by the submitters: PubMed 38425142.

NM_018008.4(FEZF2):c.801_802dup (p.Gly268fs)

Gene: FEZF2 (FEZ family zinc finger 2; minus strand). Cytogenetic location: 3p14.2.
Variant type: Duplication.
Coding change: c.801_802dup on transcript NM_018008.4 (MANE Select); coding-DNA positions 801 to 802, 2 bases duplicated (AG; older notation c.801_802dupAG).
Protein change: p.Gly268fs; shifts the reading frame from glycine 268.
Molecular consequence: frameshift variant.
Genome position (GRCh38, 1-based): chr3:62,372,067-62,372,068, CT duplicated on the plus strand (AG on the coding strand, the reverse complement: FEZF2 is on the minus strand); duplicating any 2 consecutive bases within chr3:62,372,067-62,372,069 gives the same sequence; the c. name uses the placement nearest the transcript's 3' end. VCF-style (leftmost placement, unchanged base first): chr3-62372066-C-CCT. GRCh37 (hg19) VCF-style: chr3-62357741-C-CCT.
Other names: short protein forms G268fs.
Identifiers: ClinVar variation 3367203 (VCV003367203.2).
Genomic context (GRCh38, chr3:62,372,066, plus strand): 5'-CTGGGCCTCACCTTGCCGCACACCTCGCAGGTGAAGTTTTTGGGCTTGCCATCTGCGGAG[C>CCT]CTCCTGGCAGCTTGCTGTGGCCCTTGACGCCTCCGCGCTCGGCAGTCAGGGCCGAGTTTT-3'